The following is an entry in ClinVar:

ClinVar aggregate classification (germline): Uncertain significance (1 of 4 stars; one submission).

Submission:

Labcorp Genetics (formerly Invitae), Labcorp
Classification: Uncertain significance. Last evaluated: 2023-07-21. Review status: criteria provided, single submitter. Criteria: Invitae Variant Classification Sherloc (09022015). Collection method: clinical testing. Allele origin: germline.
Comment: This sequence change replaces proline, which is neutral and non-polar, with serine, which is neutral and polar, at codon 2477 of the HMCN1 protein (p.Pro2477Ser). In summary, the available evidence is currently insufficient to determine the role of this variant in disease. Therefore, it has been classified as a Variant of Uncertain Significance. An algorithm developed to predict the effect of missense changes on protein structure and function (PolyPhen-2) suggests that this variant is likely to be disruptive. ClinVar contains an entry for this variant (Variation ID: 2130771). This variant has not been reported in the literature in individuals affected with HMCN1-related conditions. This variant is not present in population databases (gnomAD no frequency).

NM_031935.3(HMCN1):c.7429C>T (p.Pro2477Ser)

Gene: HMCN1 (hemicentin 1; plus strand). Cytogenetic location: 1q31.1.
Variant type: single nucleotide variant.
Coding change: c.7429C>T on transcript NM_031935.3 (MANE Select); coding-DNA position 7429, C replaced by T.
Protein change: p.Pro2477Ser; replaces proline 2477 with serine.
Molecular consequence: missense variant.
Genome position (GRCh38, 1-based): chr1:186,062,516, C>T. VCF-style: chr1-186062516-C-T. GRCh37 (hg19) VCF-style: chr1-186031648-C-T.
Other names: short protein forms P2477S.
Identifiers: ClinVar variation 2130771 (VCV002130771.4), dbSNP rs2527756384, ClinGen allele CA343905096.